The following is an entry in ClinVar:

ClinVar aggregate classification (germline): Likely benign (1 of 4 stars; one submission).

Allele frequency attached by ClinVar (database versions not stated): gnomAD exomes 0.00034; TOPMed 0.00041; gnomAD 0.00050; ExAC 0.00059; ESP Exome Variant Server 0.00085.
gnomAD v4.1: 418 of 1,203,477 alleles (0.035%); highest among the groups gnomAD compares: Non-Finnish European, 0.042%; no homozygotes.

Submission:

CeGaT Center for Human Genetics Tuebingen
Classification: Likely benign. Last evaluated: 2022-12-01. Review status: criteria provided, single submitter. Criteria: CeGaT Center For Human Genetics Tuebingen Variant Classification Criteria Version 2. Collection method: clinical testing. Allele origin: germline. Affected: yes. Observed: 1 variant allele.
Comment: ZNF157: BS2

NM_003446.4(ZNF157):c.208G>A (p.Val70Met)

Gene: ZNF157 (zinc finger protein 157; plus strand). Cytogenetic location: Xp11.3.
Variant type: single nucleotide variant.
Coding change: c.208G>A on transcript NM_003446.4 (MANE Select); coding-DNA position 208, G replaced by A.
Protein change: p.Val70Met; replaces valine 70 with methionine.
Molecular consequence: missense variant.
Genome position (GRCh38, 1-based): chrX:47,410,688, G>A. VCF-style: chrX-47410688-G-A. GRCh37 (hg19) VCF-style: chrX-47270087-G-A.
Other names: short protein forms V70M.
Identifiers: ClinVar variation 2660421 (VCV002660421.24), dbSNP rs138489626, ClinGen allele CA10397409.
Genomic context (GRCh38, chrX:47,410,688, plus strand): 5'-CCCTAGAGCTCAGACAACTTGGCCCACGTCCTGTGCCATTTCCCATTAACAGGCCTCTGC[G>A]TGGCCAAACCAGAGATGATCTTCAAGTTGGAGCGAGGAGAAGAGCTGTGGATATTAGAGG-3'
Protein context (NP_003437.2, residues 60-80): YSNLASVGLC[Val70Met]AKPEMIFKLE